The following is an entry in ClinVar:

NM_001365999.1(SZT2):c.10164A>T (p.Thr3388=)

Gene: SZT2 (SZT2 subunit of KICSTOR complex; plus strand). Cytogenetic location: 1p34.2.
Variant type: single nucleotide variant.
Coding change: c.10164A>T on transcript NM_001365999.1 (MANE Select); coding-DNA position 10164, A replaced by T.
Protein change: p.Thr3388=; no amino-acid change (threonine 3388 retained).
Molecular consequence: synonymous variant.
Genome position (GRCh38, 1-based): chr1:43,450,345, A>T. VCF-style: chr1-43450345-A-T. GRCh37 (hg19) VCF-style: chr1-43916016-A-T.
Other names: c.9993A>T, p.Thr3331= (NM_015284.4).
Identifiers: ClinVar variation 4874554 (VCV004874554.2).

ClinVar aggregate classification (germline): Likely benign (1 of 4 stars; one submission).

Submission:

CeGaT Center for Human Genetics Tuebingen
Classification: Likely benign. Last evaluated: 2026-05-01. Review status: criteria provided, single submitter. Criteria: CeGaT Center For Human Genetics Tuebingen Variant Classification Criteria Version 2. Collection method: clinical testing. Allele origin: germline. Affected: yes. Observed: 1 variant allele.
Comment: SZT2: PM2:Supporting, BP4, BP7